The following is an entry in ClinVar:

NM_000548.5(TSC2):c.1297T>G (p.Ser433Ala)

Gene: TSC2 (TSC complex subunit 2; plus strand). Cytogenetic location: 16p13.3.
Variant type: single nucleotide variant.
Coding change: c.1297T>G on transcript NM_000548.5 (MANE Select); coding-DNA position 1297, T replaced by G.
Protein change: p.Ser433Ala; replaces serine 433 with alanine.
Molecular consequence: missense variant.
Genome position (GRCh38, 1-based): chr16:2,062,536, T>G. VCF-style: chr16-2062536-T-G. GRCh37 (hg19) VCF-style: chr16-2112537-T-G.
Other names: c.1297T>G, p.Ser433Ala (NM_001077183.3, NM_001114382.3, NM_001363528.2 and 3 more transcripts); c.1186T>G, p.Ser396Ala (NM_001318827.2); c.1150T>G, p.Ser384Ala (NM_001318829.2); c.697T>G, p.Ser233Ala (NM_001318831.2); c.1330T>G, p.Ser444Ala (NM_001318832.2); short protein forms S384A, S396A, S444A, S233A, S433A.
Identifiers: ClinVar variation 663616 (VCV000663616.10), dbSNP rs1335355737, ClinGen allele CA394322122.
Genomic context (GRCh38, chr16:2,062,536, plus strand): 5'-CACCGGCTCTTCTTTTGACAGGAGTCCTCCCTCCTGAACCTGATCTCCTATAGAGCGCAG[T>G]CCATCCACCCGGCCAAGGACGGCTGGATTCAGAACCTGCAGGCGCTGATGGAGAGATTCT-3'
Protein context (NP_000539.2, residues 423-443): LLNLISYRAQ[Ser433Ala]IHPAKDGWIQ

ClinVar aggregate classification (germline): Uncertain significance. Review status: criteria provided, multiple submitters, no conflicts (2 of 4 stars). 3 submissions from 3 submitters: Uncertain significance (3). Last evaluated 2025-12-17.

Conditions:
Tuberous sclerosis 2 (TSC2). Identifiers: Orphanet 805, MedGen C1860707, MONDO:0013199, OMIM 613254.
Isolated focal cortical dysplasia type II (FCORD2). Also called: CORTICAL DYSPLASIA OF TAYLOR; Focal cortical dysplasia type II. Identifiers: Orphanet 268994, MedGen C1846385, MONDO:0011818, OMIM 607341, HP:0032051.
Lymphangiomyomatosis (LAM). Also called: Lymphangioleiomyomatosis; Lymphangioleiomyomatosis, somatic. Identifiers: Orphanet 538, MedGen C0751674, MONDO:0011705, OMIM 606690.
Hereditary cancer-predisposing syndrome. Also called: Neoplastic Syndromes, Hereditary; Hereditary neoplastic syndrome; Tumor predisposition; Hereditary Cancer Syndrome. Identifiers: Orphanet 140162, MedGen C0027672, MeSH D009386, MONDO:0015356.

Submissions (3):

Labcorp Genetics (formerly Invitae), Labcorp
Classification: Uncertain significance for Tuberous sclerosis 2. Last evaluated: 2025-12-17. Review status: criteria provided, single submitter. Criteria: Invitae Variant Classification Sherloc (09022015). Collection method: clinical testing. Allele origin: germline.
Comment: This sequence change replaces serine, which is neutral and polar, with alanine, which is neutral and non-polar, at codon 433 of the TSC2 protein (p.Ser433Ala). This variant is not present in population databases (gnomAD no frequency). This variant has not been reported in the literature in individuals affected with TSC2-related conditions. ClinVar contains an entry for this variant (Variation ID: 663616). Invitae Evidence Modeling of protein sequence and biophysical properties (such as structural, functional, and spatial information, amino acid conservation, physicochemical variation, residue mobility, and thermodynamic stability) indicates that this missense variant is not expected to disrupt TSC2 protein function with a negative predictive value of 95%. In summary, the available evidence is currently insufficient to determine the role of this variant in disease. Therefore, it has been classified as a Variant of Uncertain Significance.

Ambry Genetics
Classification: Uncertain significance for Hereditary cancer-predisposing syndrome. Last evaluated: 2024-11-15. Review status: criteria provided, single submitter. Criteria: Ambry Variant Classification Scheme 2023. Collection method: clinical testing. Allele origin: germline.
Comment: The p.S433A variant (also known as c.1297T>G), located in coding exon 12 of the TSC2 gene, results from a T to G substitution at nucleotide position 1297. The serine at codon 433 is replaced by alanine, an amino acid with similar properties. This amino acid position is well conserved in available vertebrate species. In addition, the in silico prediction for this alteration is inconclusive. Based on the available evidence, the clinical significance of this variant remains unclear.

Fulgent Genetics
Classification: Uncertain significance for Lymphangiomyomatosis; Isolated focal cortical dysplasia type II; Tuberous sclerosis 2. Last evaluated: 2024-03-27. Review status: criteria provided, single submitter. Criteria: ACMG Guidelines, 2015. Collection method: clinical testing. Allele origin: germline.